The following is an entry in ClinVar:

NM_000143.4(FH):c.766A>G (p.Lys256Glu)

Gene: FH (fumarate hydratase; minus strand). Cytogenetic location: 1q43.
Variant type: single nucleotide variant.
Coding change: c.766A>G on transcript NM_000143.4 (MANE Select); coding-DNA position 766, A replaced by G.
Protein change: p.Lys256Glu; replaces lysine 256 with glutamic acid.
Molecular consequence: missense variant.
Genome position (GRCh38, 1-based): chr1:241,506,141, T>C on the plus strand (A>G on the coding strand, the complement: FH is on the minus strand). VCF-style: chr1-241506141-T-C. GRCh37 (hg19) VCF-style: chr1-241669441-T-C.
Other names: short protein forms K256E.
Identifiers: ClinVar variation 5021720 (VCV005021720.1).

ClinVar aggregate classification (germline): Uncertain significance (1 of 4 stars; one submission).

Conditions:
Hereditary cancer-predisposing syndrome. Also called: Neoplastic Syndromes, Hereditary; Tumor predisposition; Hereditary neoplastic syndrome; Hereditary Cancer Syndrome. Identifiers: Orphanet 140162, MedGen C0027672, MeSH D009386, MONDO:0015356.

Submission:

Ambry Genetics
Classification: Uncertain significance for Hereditary cancer-predisposing syndrome. Last evaluated: 2026-07-06. Review status: criteria provided, single submitter. Criteria: Ambry Variant Classification Scheme 2023. Collection method: clinical testing. Allele origin: germline.
Comment: The p.K256E variant (also known as c.766A>G), located in coding exon 6 of the FH gene, results from an A to G substitution at nucleotide position 766. The lysine at codon 256 is replaced by glutamic acid, an amino acid with similar properties. This amino acid position is conserved. In addition, the in silico prediction for this alteration is inconclusive. Based on the available evidence, the clinical significance of this variant remains unclear.